The following is an entry in ClinVar:

NM_213720.3(CHCHD10):c.209C>A (p.Thr70Asn)

Gene: CHCHD10 (coiled-coil-helix-coiled-coil-helix domain containing 10; minus strand). Cytogenetic location: 22q11.23.
Variant type: single nucleotide variant.
Coding change: c.209C>A on transcript NM_213720.3 (MANE Select); coding-DNA position 209, C replaced by A.
Protein change: p.Thr70Asn; replaces threonine 70 with asparagine.
Molecular consequence: missense variant. On other transcripts: non-coding transcript variant (1).
Genome position (GRCh38, 1-based): chr22:23,767,426, G>T on the plus strand (C>A on the coding strand, the complement: CHCHD10 is on the minus strand). VCF-style: chr22-23767426-G-T. GRCh37 (hg19) VCF-style: chr22-24109613-G-T.
Other names: c.209C>A, p.Thr70Asn (NM_001301339.2); short protein forms T70N.
Identifiers: ClinVar variation 1311938 (VCV001311938.2), dbSNP rs2145926810, ClinGen allele CA410916115.

ClinVar aggregate classification (germline): Uncertain significance (1 of 4 stars; one submission).

Submission:

GeneDx
Classification: Uncertain significance. Last evaluated: 2020-02-13. Review status: criteria provided, single submitter. Criteria: GeneDx Variant Classification Process June 2021. Collection method: clinical testing. Allele origin: germline. Affected: yes.
Comment: Not observed in large population cohorts (Lek et al., 2016); In silico analysis supports that this missense variant has a deleterious effect on protein structure/function; Has not been previously published as pathogenic or benign to our knowledge